The following is an entry in ClinVar:

ClinVar aggregate classification (germline): Uncertain significance (1 of 4 stars; one submission).

gnomAD v4.1: 3 of 1,539,564 alleles (0.00019%); highest among the groups gnomAD compares: Non-Finnish European, 0.00026%; no homozygotes.

Submission:

Labcorp Genetics (formerly Invitae), Labcorp
Classification: Uncertain significance. Last evaluated: 2025-01-27. Review status: criteria provided, single submitter. Criteria: Invitae Variant Classification Sherloc (09022015). Collection method: clinical testing. Allele origin: germline.
Comment: This sequence change replaces glutamic acid, which is acidic and polar, with glycine, which is neutral and non-polar, at codon 65 of the TUB protein (p.Glu65Gly). The frequency data for this variant in the population databases is considered unreliable, as metrics indicate poor data quality at this position in the gnomAD database. This variant has not been reported in the literature in individuals affected with TUB-related conditions. An algorithm developed to predict the effect of missense changes on protein structure and function (PolyPhen-2) suggests that this variant is likely to be disruptive. In summary, the available evidence is currently insufficient to determine the role of this variant in disease. Therefore, it has been classified as a Variant of Uncertain Significance.

NC_000011.10:g.8039683A>G

Gene: TUB (TUB bipartite transcription factor; plus strand). Cytogenetic location: 11p15.4.
Variant type: single nucleotide variant.
Molecular consequence: missense variant (on NM_003320.5). On other transcripts: intron variant (4).
Genome position: GRCh38 VCF-style: chr11-8039683-A-G. GRCh37 (hg19) VCF-style: chr11-8061230-A-G.
Other names: c.194A>G, p.Glu65Gly (NM_003320.5); c.56+20325A>G (NM_001440538.1, NM_001440539.1, NM_001440540.1 and 1 more transcripts); short protein forms E65G.
Identifiers: ClinVar variation 3620965 (VCV003620965.2).